The following is an entry in ClinVar:

ClinVar aggregate classification (germline): other (0 of 4 stars; one submission).

Conditions:
Familial colorectal cancer. Identifiers: MedGen CN280943, MONDO:0023113. Disease mechanism: loss of function.

Submission:

Systems Biology Platform Zhejiang California International NanoSystems Institute
Classification: other for Familial colorectal cancer. Review status: no assertion criteria provided. Collection method: not provided. Allele origin: unknown.
ClinVar note: Converted during submission from cancer to other.

NM_000038.6(APC):c.834+4671A>C

Gene: APC (APC regulator of WNT signaling pathway; plus strand). Cytogenetic location: 5q22.2.
Variant type: single nucleotide variant.
Coding change: c.834+4671A>C on transcript NM_000038.6 (MANE Select); 4671 bases into the intron after coding-DNA position 834, A replaced by C.
Molecular consequence: intron variant.
Genome position (GRCh38, 1-based): chr5:112,806,054, A>C. VCF-style: chr5-112806054-A-C. GRCh37 (hg19) VCF-style: chr5-112141751-A-C.
Other names: c.834+4671A>C (NM_001354895.2, NM_001127510.3, NM_001354896.2 and 1 more transcripts); c.864+4671A>C (NM_001354897.2, NM_001354902.2); c.780+4671A>C (NM_001127511.3); c.759+4671A>C (NM_001354898.2, NM_001354904.2); c.-201-4072A>C (NM_001354906.2); c.750+4671A>C (NM_001354899.2); c.657+4671A>C (NM_001354900.2, NM_001354901.2, NM_001354905.2).
Identifiers: ClinVar variation 83059 (VCV000083059.2), dbSNP rs78088437, ClinGen allele CA014811.